The following is an entry in ClinVar:

ClinVar aggregate classification (germline): Uncertain significance (1 of 4 stars; one submission).

gnomAD v4.1: 22 of 1,291,284 alleles (0.0017%); highest among the groups gnomAD compares: Non-Finnish European, 0.0022%; no homozygotes.

Submission:

Labcorp Genetics (formerly Invitae), Labcorp
Classification: Uncertain significance. Last evaluated: 2026-01-26. Review status: criteria provided, single submitter. Criteria: Invitae Variant Classification Sherloc (09022015). Collection method: clinical testing. Allele origin: germline.
Comment: This sequence change replaces alanine, which is neutral and non-polar, with valine, which is neutral and non-polar, at codon 334 of the HMX1 protein (p.Ala334Val). This variant is not present in population databases (gnomAD no frequency). This variant has not been reported in the literature in individuals affected with HMX1-related conditions. ClinVar contains an entry for this variant (Variation ID: 1052754). An algorithm developed to predict the effect of missense changes on protein structure and function (PolyPhen-2) suggests that this variant is likely to be disruptive. In summary, the available evidence is currently insufficient to determine the role of this variant in disease. Therefore, it has been classified as a Variant of Uncertain Significance.

NM_018942.3(HMX1):c.1001C>T (p.Ala334Val)

Gene: HMX1 (H6 family homeobox 1; minus strand). Cytogenetic location: 4p16.1.
Variant type: single nucleotide variant.
Coding change: c.1001C>T on transcript NM_018942.3 (MANE Select); coding-DNA position 1001, C replaced by T.
Protein change: p.Ala334Val; replaces alanine 334 with valine.
Molecular consequence: missense variant. On other transcripts: intron variant (1).
Genome position (GRCh38, 1-based): chr4:8,867,739, G>A on the plus strand (C>T on the coding strand, the complement: HMX1 is on the minus strand). VCF-style: chr4-8867739-G-A. GRCh37 (hg19) VCF-style: chr4-8869465-G-A.
Other names: c.394+3482C>T (NM_001306142.2); short protein forms A334V.
Identifiers: ClinVar variation 1052754 (VCV001052754.9), dbSNP rs752877327, ClinGen allele CA356277252.
Genomic context (GRCh38, chr4:8,867,739, plus strand): 5'-CCGGCAGGCGGGGCTCACACCAGGCCAGGCATCTGCGCCCGCAGAAAGGGCACGGAGGCG[G>A]CGGCCGGGAAGGCGGCCAGCGGGTAGGCGAGGGCCCCGGAGAAGCCGAGCAGCGGTGGGG-3'
Protein context (NP_061815.2, residues 324-344): LAYPLAAFPA[Ala334Val]ASVPFLRAQM